The following is an entry in ClinVar:

ClinVar aggregate classification (germline): Likely pathogenic (1 of 4 stars; one submission).

Conditions:
Neurodevelopmental disorder with coarse facies and mild distal skeletal abnormalities. Also called: STOLERMAN NEURODEVELOPMENTAL SYNDROME. Identifiers: MedGen C5193134, MONDO:0032790, OMIM 618505.

Submission:

MGZ Medical Genetics Center
Classification: Likely pathogenic for Neurodevelopmental disorder with coarse facies and mild distal skeletal abnormalities. Last evaluated: 2021-12-27. Review status: criteria provided, single submitter. Criteria: ACMG Guidelines, 2015. Collection method: clinical testing. Allele origin: germline. Affected: yes. Observed: 1 variant allele.
Comment: ACMG criteria applied: PVS1, PM2_SUP

NM_001348716.2(KDM6B):c.31del (p.Arg11fs)

Gene: KDM6B (lysine demethylase 6B; plus strand). Cytogenetic location: 17p13.1.
Variant type: Deletion.
Coding change: c.31del on transcript NM_001348716.2 (MANE Select); coding-DNA position 31, one base deleted (C; older notation c.31delC).
Protein change: p.Arg11fs; shifts the reading frame from arginine 11.
Molecular consequence: frameshift variant.
Genome position (GRCh38, 1-based): chr17:7,845,585, C deleted; the last of 3 consecutive C bases (chr17:7,845,583-7,845,585); deleting any one gives the same sequence. VCF-style (leftmost placement, unchanged base first): chr17-7845582-GC-G. GRCh37 (hg19) VCF-style: chr17-7748900-GC-G.
Other names: c.31del, p.Arg11fs (NM_001080424.2); short protein forms R11fs.
Identifiers: ClinVar variation 1709030 (VCV001709030.2), dbSNP rs2544518657, ClinGen allele CA2580094831.